The following is an entry in ClinVar:

NM_003872.3(NRP2):c.1800G>A (p.Thr600=)

Gene: NRP2 (neuropilin 2; plus strand). Cytogenetic location: 2q33.3.
Variant type: single nucleotide variant.
Coding change: c.1800G>A on transcript NM_003872.3 (MANE Select); coding-DNA position 1800, G replaced by A.
Protein change: p.Thr600=; no amino-acid change (threonine 600 retained).
Molecular consequence: synonymous variant.
Genome position (GRCh38, 1-based): chr2:205,749,738, G>A. VCF-style: chr2-205749738-G-A. GRCh37 (hg19) VCF-style: chr2-206614462-G-A.
Other names: c.1800G>A, p.Thr600= (NM_018534.4, NM_201266.2, NM_201267.2 and 1 more transcripts).
Identifiers: ClinVar variation 789563 (VCV000789563.6), dbSNP rs145565386, ClinGen allele CA2069220.

ClinVar aggregate classification (germline): Likely benign. Review status: criteria provided, multiple submitters, no conflicts (2 of 4 stars). 3 submissions from 3 submitters: Likely benign (2). 1 of the submissions does not count toward it. Last evaluated 2018-06-08.

Conditions:
NRP2-related disorder. Also called: NRP2-related condition.

Allele frequency attached by ClinVar (database versions not stated): gnomAD exomes 0.00005 and 0.00019; ExAC 0.00022; TOPMed 0.00051; gnomAD 0.00054 and 0.00055; ESP Exome Variant Server 0.00077; 1000 Genomes Project 0.00140; 1000 Genomes Project 30x 0.00172.
gnomAD v4.1: 162 of 1,614,030 alleles (0.01%); highest among the groups gnomAD compares: African/African-American, 0.17%; no homozygotes.

Submissions (3):

Labcorp Genetics (formerly Invitae), Labcorp
Classification: Likely benign. Last evaluated: 2018-06-08. Review status: criteria provided, single submitter. Criteria: Invitae Variant Classification Sherloc (09022015). Collection method: clinical testing. Allele origin: germline.

Breakthrough Genomics
Classification: Likely benign. Review status: criteria provided, single submitter. Criteria: ACMG Guidelines, 2015. Collection method: not provided. Allele origin: germline. Inheritance: Unknown mechanism. Affected: yes.

PreventionGenetics, part of Exact Sciences
Classification: Likely benign for NRP2-related condition. Last evaluated: 2021-10-12. Review status: no assertion criteria provided. Collection method: clinical testing. Allele origin: germline. Not counted in ClinVar's aggregate classification.
Comment: This variant is classified as likely benign based on ACMG/AMP sequence variant interpretation guidelines (Richards et al. 2015 PMID: 25741868, with internal and published modifications).